The following is an entry in ClinVar:

NM_032043.3(BRIP1):c.438_440delinsCT (p.Tyr147fs)

Gene: BRIP1 (BRCA1 interacting DNA helicase 1; minus strand). Cytogenetic location: 17q23.2.
Variant type: Indel.
Coding change: c.438_440delinsCT on transcript NM_032043.3 (MANE Select); coding-DNA positions 438 to 440, ATA replaced by CT.
Protein change: p.Tyr147fs; shifts the reading frame from tyrosine 147.
Molecular consequence: frameshift variant.
Genome position (GRCh38, 1-based): chr17:61,849,196-61,849,198, TAT replaced by AG on the plus strand (ATA replaced by CT on the coding strand, the reverse complement: BRIP1 is on the minus strand). VCF-style: chr17-61849196-TAT-AG. GRCh37 (hg19) VCF-style: chr17-59926557-TAT-AG.
Other names: c.438_440delATAinsCT (NM_032043.2); short protein forms Y147fs.
Identifiers: ClinVar variation 187045 (VCV000187045.10), dbSNP rs786203429, ClinGen allele CA196586.

ClinVar aggregate classification (germline): Pathogenic/Likely pathogenic. Review status: criteria provided, multiple submitters, no conflicts (2 of 4 stars). 4 submissions from 4 submitters: Pathogenic (3); Likely pathogenic (1). Last evaluated 2025-01-03.

Conditions:
Hereditary cancer-predisposing syndrome. Also called: Neoplastic Syndromes, Hereditary; Tumor predisposition; Hereditary Cancer Syndrome; Hereditary neoplastic syndrome. Identifiers: Orphanet 140162, MedGen C0027672, MeSH D009386, MONDO:0015356.
Ovarian neoplasm. Also called: Ovarian tumor; Neoplasm of ovary; Ovarian Neoplasms. Identifiers: MedGen C0919267, MeSH D010051, MONDO:0021068, HP:0100615.
Familial cancer of breast. Also called: BREAST CANCER, FAMILIAL; Hereditary breast cancer; hereditary breast carcinoma. Identifiers: Orphanet 227535, MedGen C0346153, MONDO:0016419, OMIM 114480. Disease mechanism: loss of function.

Submissions (4):

Ambry Genetics
Classification: Pathogenic for Hereditary cancer-predisposing syndrome. Last evaluated: 2025-01-03. Review status: criteria provided, single submitter. Criteria: Ambry Variant Classification Scheme 2023. Collection method: clinical testing. Allele origin: germline.
Comment: The c.438_440delATAinsCT pathogenic mutation, located in coding exon 4 of the BRIP1 gene, results from the deletion of three nucleotides and insertion of two nucleotides at positions 438 to 440, causing a translational frameshift with a predicted alternate stop codon (p.Y147Sfs*10). This variant is considered to be rare based on population cohorts in the Genome Aggregation Database (gnomAD). This alteration is expected to result in loss of function by premature protein truncation or nonsense-mediated mRNA decay. As such, this alteration is interpreted as a disease-causing mutation.

Myriad Genetics, Inc.
Classification: Pathogenic for Familial cancer of breast. Last evaluated: 2023-05-31. Review status: criteria provided, single submitter. Criteria: Myriad Autosomal Dominant, Autosomal Recessive and X-Linked Classification Criteria (2023). Collection method: clinical testing. Allele origin: unknown.
Comment: This variant is considered pathogenic. This variant creates a frameshift predicted to result in premature protein truncation.

Baylor Genetics
Classification: Likely pathogenic for Familial cancer of breast. Last evaluated: 2023-03-17. Review status: criteria provided, single submitter. Criteria: ACMG Guidelines, 2015. Collection method: clinical testing. Allele origin: unknown.

Department of Molecular Diagnostics, Institute of Oncology Ljubljana
Classification: Pathogenic for Ovarian cancer. Last evaluated: 2020-04-02. Review status: criteria provided, single submitter. Criteria: ACMG Guidelines, 2015. Collection method: clinical testing. Allele origin: germline. Affected: yes.